The following is an entry in ClinVar:

NM_002691.4(POLD1):c.3203_3218+1del

Gene: POLD1 (DNA polymerase delta 1, catalytic subunit; plus strand). Cytogenetic location: 19q13.33.
Variant type: Deletion.
Coding change: c.3203_3218+1del on transcript NM_002691.4 (MANE Select); coding-DNA position 3203 through the canonical splice donor site of the intron after coding-DNA position 3218, 17 bases deleted (ACGTCATCTGCACCAGG).
Molecular consequence: splice donor variant.
Genome position (GRCh38, 1-based): chr19:50,417,254-50,417,270, ACGTCATCTGCACCAGG deleted; deleting any 17 consecutive bases within chr19:50,417,251-50,417,270 gives the same sequence; the c. name uses the placement nearest the transcript's 3' end. VCF-style (leftmost placement, unchanged base first): chr19-50417250-GAGGACGTCATCTGCACC-G. GRCh37 (hg19) VCF-style: chr19-50920507-GAGGACGTCATCTGCACC-G.
Other names: c.3203_3218+1del (NM_001256849.1); c.3281_3296+1del (NM_001308632.1); c.3203_3218+1delACGTCATCTGCACCAGG (NM_002691.3).
Identifiers: ClinVar variation 582643 (VCV000582643.8), dbSNP rs1568641895, ClinGen allele CA891844282.

ClinVar aggregate classification (germline): Uncertain significance (1 of 4 stars; one submission).

Conditions:
POLD1-related polyposis and colorectal cancer syndrome (CRCS10). Also called: Colorectal cancer 10; COLORECTAL CANCER, SUSCEPTIBILITY TO, ON CHROMOSOME 19q; Colorectal cancer, susceptibility to, 10. Identifiers: Orphanet 220460, MedGen C2675481, MONDO:0012953, OMIM 612591.

Submission:

Labcorp Genetics (formerly Invitae), Labcorp
Classification: Uncertain significance for POLD1-related polyposis and colorectal cancer syndrome. Last evaluated: 2018-04-24. Review status: criteria provided, single submitter. Criteria: Invitae Variant Classification Sherloc (09022015). Collection method: clinical testing. Allele origin: germline.
Comment: Missense variants that disrupt the 3'-5' exonuclease (proof-reading) activity of the POLD1 protein, while not abolishing its polymerase enzyme activity, are associated with an increased risk for colonic adenomatous polyps and colon cancer (PMID: 23263490, 23447401). Loss-of-function truncating variants, which result in an absent or severely disrupted POLD1 protein, are therefore unlikely to be associated with disease. Without further clinical and genetic evidence, however, this variant has been classified as a Variant of Uncertain Significance. This variant has not been reported in the literature in individuals with POLD1-related disease. This variant is not present in population databases (ExAC no frequency). This sequence change affects a donor splice site in the last intron (intron 26) of the POLD1 gene. While this is not anticipated to result in nonsense mediated decay, it likely alters RNA splicing and results in a disrupted protein product.

Literature cited by the submitters: PubMed 23263490; PubMed 23447401.